The following is an entry in ClinVar:

ClinVar aggregate classification (germline): Uncertain significance (1 of 4 stars; one submission).

Submission:

Labcorp Genetics (formerly Invitae), Labcorp
Classification: Uncertain significance. Last evaluated: 2023-07-13. Review status: criteria provided, single submitter. Criteria: Invitae Variant Classification Sherloc (09022015). Collection method: clinical testing. Allele origin: germline.
Comment: This variant has not been reported in the literature in individuals affected with CACNA1E-related conditions. In summary, the available evidence is currently insufficient to determine the role of this variant in disease. Therefore, it has been classified as a Variant of Uncertain Significance. Algorithms developed to predict the effect of missense changes on protein structure and function output the following: SIFT: "Not Available"; PolyPhen-2: "Benign"; Align-GVGD: "Not Available". The glutamic acid amino acid residue is found in multiple mammalian species, which suggests that this missense change does not adversely affect protein function. This variant is not present in population databases (gnomAD no frequency). This sequence change replaces aspartic acid, which is acidic and polar, with glutamic acid, which is acidic and polar, at codon 20 of the CACNA1E protein (p.Asp20Glu).

NM_001205293.3(CACNA1E):c.60C>A (p.Asp20Glu)

Gene: CACNA1E (calcium voltage-gated channel subunit alpha1 E; plus strand). Cytogenetic location: 1q25.3.
Variant type: single nucleotide variant.
Coding change: c.60C>A on transcript NM_001205293.3 (MANE Select); coding-DNA position 60, C replaced by A.
Protein change: p.Asp20Glu; replaces aspartic acid 20 with glutamic acid.
Molecular consequence: missense variant.
Genome position (GRCh38, 1-based): chr1:181,483,804, C>A. VCF-style: chr1-181483804-C-A. GRCh37 (hg19) VCF-style: chr1-181452940-C-A.
Other names: c.60C>A, p.Asp20Glu (NM_000721.4, NM_001205294.2); short protein forms D20E.
Identifiers: ClinVar variation 2727967 (VCV002727967.3), dbSNP rs2526274758, ClinGen allele CA343844253.